The following is an entry in ClinVar:

NM_001349206.2(LPIN1):c.2014-152G>A

Gene: LPIN1 (lipin 1; plus strand). Cytogenetic location: 2p25.1.
Variant type: single nucleotide variant.
Coding change: c.2014-152G>A on transcript NM_001349206.2 (MANE Select); 152 bases into the intron before coding-DNA position 2014, G replaced by A.
Molecular consequence: intron variant.
Genome position (GRCh38, 1-based): chr2:11,804,271, G>A. VCF-style: chr2-11804271-G-A. GRCh37 (hg19) VCF-style: chr2-11944397-G-A.
Other names: c.2161-152G>A (NM_001261428.3); c.2053-152G>A (NM_001349208.2); c.2104-152G>A (NM_001349207.2); c.1924-152G>A (NM_001261427.3); c.2014-152G>A (NM_001349204.2, NM_001349205.2); c.2011-152G>A (NM_001349202.2, NM_001349203.2); c.1984-152G>A (NM_001349200.2, NM_001349201.2); c.1906-152G>A (NM_001349199.2, NM_145693.4).
Identifiers: ClinVar variation 679653 (VCV000679653.2), dbSNP rs28754664, ClinGen allele CA42578174.
Genomic context (GRCh38, chr2:11,804,271, plus strand): 5'-GGGGCCTGAGAGAGCTGAGGTTTCATTTTGCCTGTCCAGCCCCGGAAAGAACCAGAACAA[G>A]GAAGGGTGGGGAAAGAAAGAATTATACAAGGGCCCAGGGCAGTCACTTGTTTTTAAAGCC-3'

ClinVar aggregate classification (germline): Likely benign. Review status: criteria provided, multiple submitters, no conflicts (2 of 4 stars). 2 submissions from 2 submitters: Likely benign (2). Last evaluated 2018-06-14.

Allele frequency attached by ClinVar (database versions not stated): gnomAD exomes 0.00065; gnomAD 0.00537 and 0.00567; TOPMed 0.00595; 1000 Genomes Project 30x 0.00984; 1000 Genomes Project 0.01018.
gnomAD v4.1: 1,291 of 828,390 alleles (0.16%); highest among the groups gnomAD compares: African/African-American, 1.9%; 12 homozygotes.

Submissions (2):

GeneDx
Classification: Likely benign. Last evaluated: 2018-06-14. Review status: criteria provided, single submitter. Criteria: GeneDx Variant Classification (06012015). Collection method: clinical testing. Allele origin: germline. Affected: yes.
Comment: This variant is considered likely benign or benign based on one or more of the following criteria: it is a conservative change, it occurs at a poorly conserved position in the protein, it is predicted to be benign by multiple in silico algorithms, and/or has population frequency not consistent with disease.

Breakthrough Genomics
Classification: Likely benign. Review status: criteria provided, single submitter. Criteria: ACMG Guidelines, 2015. Collection method: not provided. Allele origin: germline. Inheritance: Autosomal recessive inheritance. Affected: yes.